The following is an entry in ClinVar:

ClinVar aggregate classification (germline): Uncertain significance. Review status: criteria provided, multiple submitters, no conflicts (2 of 4 stars). 3 submissions from 3 submitters: Uncertain significance (3). Last evaluated 2026-07-31.

Conditions:
RP1-related disorder. Also called: RP1-related condition.

Allele frequency attached by ClinVar (database versions not stated): ExAC 0.00016; TOPMed 0.00016; gnomAD 0.00021 and 0.00022; gnomAD exomes 0.00024; ESP Exome Variant Server 0.00031.
gnomAD v4.1: 540 of 1,613,464 alleles (0.033%); highest among the groups gnomAD compares: Non-Finnish European, 0.042%; 1 homozygote.

Submissions (3):

PreventionGenetics, part of Exact Sciences
Classification: Uncertain significance for RP1-related condition. Last evaluated: 2026-07-31. Review status: criteria provided, single submitter. Criteria: ACMG Guidelines, 2015. Collection method: clinical testing. Allele origin: germline.
Comment: The RP1 c.6338C>A variant is predicted to result in the amino acid substitution p.Thr2113Asn. This variant has been reported in individuals with retinal disease (Payne et al. 2000. PubMed ID: 11095597; Matczynska et al. 2024. PubMed ID: 39202371); however, at PreventionGenetics, it has also been detected in individuals with causative variants in other retinal-related genes (Internal Data). This variant is reported in 0.039% of alleles in individuals of European (non-Finnish) descent in gnomAD v2. Although we suspect that this variant may be benign, at this time, the clinical significance of this variant is uncertain due to the absence of conclusive functional and genetic evidence.

Labcorp Genetics (formerly Invitae), Labcorp
Classification: Uncertain significance. Last evaluated: 2025-11-24. Review status: criteria provided, single submitter. Criteria: Invitae Variant Classification Sherloc (09022015). Collection method: clinical testing. Allele origin: germline.
Comment: This sequence change replaces threonine, which is neutral and polar, with asparagine, which is neutral and polar, at codon 2113 of the RP1 protein (p.Thr2113Asn). This variant is present in population databases (rs137887415, gnomAD 0.04%). This missense change has been observed in individual(s) with autosomal dominant retinitis pigmentosa (PMID: 11095597, 39202371). ClinVar contains an entry for this variant (Variation ID: 847529). An algorithm developed to predict the effect of missense changes on protein structure and function (PolyPhen-2) suggests that this variant is likely to be disruptive. In summary, the available evidence is currently insufficient to determine the role of this variant in disease. Therefore, it has been classified as a Variant of Uncertain Significance.

Blueprint Genetics
Classification: Uncertain significance. Last evaluated: 2024-11-07. Review status: criteria provided, single submitter. Criteria: ACMG Guidelines, 2015. Collection method: clinical testing. Allele origin: germline.

Literature cited by the submitters: PubMed 11095597 (cited by Labcorp Genetics (formerly Invitae), Labcorp); PubMed 39202371 (cited by Labcorp Genetics (formerly Invitae), Labcorp).

NM_006269.2(RP1):c.6338C>A (p.Thr2113Asn)

Gene: RP1 (RP1 axonemal microtubule associated; plus strand). Cytogenetic location: 8q12.1.
Variant type: single nucleotide variant.
Coding change: c.6338C>A on transcript NM_006269.2 (MANE Select); coding-DNA position 6338, C replaced by A.
Protein change: p.Thr2113Asn; replaces threonine 2113 with asparagine.
Molecular consequence: missense variant. On other transcripts: intron variant (1).
Genome position (GRCh38, 1-based): chr8:54,630,220, C>A. VCF-style: chr8-54630220-C-A. GRCh37 (hg19) VCF-style: chr8-55542780-C-A.
Other names: c.787+7932C>A (NM_001375654.1); short protein forms T2113N.
Identifiers: ClinVar variation 847529 (VCV000847529.9), dbSNP rs137887415, ClinGen allele CA4752228.